The following is an entry in ClinVar:

ClinVar aggregate classification (germline): Uncertain significance (1 of 4 stars; one submission).

gnomAD v4.1: 3 of 1,614,098 alleles (0.00019%); highest among the groups gnomAD compares: Non-Finnish European, 0.00025%; no homozygotes.

Submission:

GeneDx
Classification: Uncertain significance. Last evaluated: 2023-05-31. Review status: criteria provided, single submitter. Criteria: GeneDx Variant Classification Process June 2021. Collection method: clinical testing. Allele origin: germline. Affected: yes.
Comment: Not observed at significant frequency in large population cohorts (gnomAD); In silico analysis supports that this missense variant has a deleterious effect on protein structure/function; Has not been previously published as pathogenic or benign to our knowledge

NM_033163.5(FGF8):c.204G>C (p.Gln68His)

Gene: FGF8 (fibroblast growth factor 8; minus strand). Cytogenetic location: 10q24.32.
Variant type: single nucleotide variant.
Coding change: c.204G>C on transcript NM_033163.5 (MANE Select); coding-DNA position 204, G replaced by C.
Protein change: p.Gln68His; replaces glutamine 68 with histidine.
Molecular consequence: missense variant. On other transcripts: 5 prime UTR variant (1).
Genome position (GRCh38, 1-based): chr10:101,774,865, C>G on the plus strand (G>C on the coding strand, the complement: FGF8 is on the minus strand). VCF-style: chr10-101774865-C-G. GRCh37 (hg19) VCF-style: chr10-103534622-C-G.
Other names: c.-109G>C (NM_001206389.2); c.117G>C, p.Gln39His (NM_006119.6); c.171G>C, p.Gln57His (NM_033164.4); c.84G>C, p.Gln28His (NM_033165.5); short protein forms Q28H, Q39H, Q57H, Q68H.
Identifiers: ClinVar variation 3359353 (VCV003359353.1).